The following is an entry in ClinVar:

NM_002691.4(POLD1):c.2774T>C (p.Val925Ala)

Gene: POLD1 (DNA polymerase delta 1, catalytic subunit; plus strand). Cytogenetic location: 19q13.33.
Variant type: single nucleotide variant.
Coding change: c.2774T>C on transcript NM_002691.4 (MANE Select); coding-DNA position 2774, T replaced by C.
Protein change: p.Val925Ala; replaces valine 925 with alanine.
Molecular consequence: missense variant.
Genome position (GRCh38, 1-based): chr19:50,415,780, T>C. VCF-style: chr19-50415780-T-C. GRCh37 (hg19) VCF-style: chr19-50919037-T-C.
Other names: c.2774T>C, p.Val925Ala (NM_001256849.1); c.2852T>C, p.Val951Ala (NM_001308632.1); short protein forms V951A, V925A.
Identifiers: ClinVar variation 1795839 (VCV001795839.2), dbSNP rs1230324348, ClinGen allele CA406985986.

ClinVar aggregate classification (germline): Uncertain significance (1 of 4 stars; one submission).

Conditions:
Hereditary cancer-predisposing syndrome. Also called: Tumor predisposition; Hereditary Cancer Syndrome; Neoplastic Syndromes, Hereditary; Hereditary neoplastic syndrome. Identifiers: Orphanet 140162, MedGen C0027672, MeSH D009386, MONDO:0015356.

Allele frequency attached by ClinVar (database versions not stated): gnomAD exomes 0.00001.
gnomAD v4.1: 4 of 1,569,326 alleles (0.00025%); highest among the groups gnomAD compares: African/African-American, 0.0013%; no homozygotes.

Submission:

Ambry Genetics
Classification: Uncertain significance for Hereditary cancer-predisposing syndrome. Last evaluated: 2021-08-23. Review status: criteria provided, single submitter. Criteria: Ambry Variant Classification Scheme 2023. Collection method: clinical testing. Allele origin: germline.
Comment: The p.V925A variant (also known as c.2774T>C), located in coding exon 21 of the POLD1 gene, results from a T to C substitution at nucleotide position 2774. The valine at codon 925 is replaced by alanine, an amino acid with similar properties. This amino acid position is conserved. In addition, the in silico prediction for this alteration is inconclusive. Since supporting evidence is limited at this time, the clinical significance of this alteration remains unclear.